The following is an entry in ClinVar:

ClinVar aggregate classification (germline): Benign. Review status: criteria provided, multiple submitters, no conflicts (2 of 4 stars). 4 submissions from 2 submitters: Benign (4). Last evaluated 2018-01-13.

Conditions:
Joubert syndrome 7 (JBTS7). Identifiers: Orphanet 220497, MedGen C1969053, MONDO:0012694, OMIM 611560.
Meckel syndrome, type 5 (MKS5). Identifiers: Orphanet 564, MedGen C1969052, MONDO:0012695, OMIM 611561.
Nephronophthisis 8. Identifiers: MedGen CN119610.

Allele frequency attached by ClinVar (database versions not stated): gnomAD exomes 0.17955; gnomAD 0.37946 and 0.38208; TOPMed 0.39471; 1000 Genomes Project 30x 0.47236; 1000 Genomes Project 0.47664.
gnomAD v4.1: 57,941 of 152,296 alleles (38%); highest among the groups gnomAD compares: African/African-American, 60%; 12,765 homozygotes.

Submissions (5):

Illumina Laboratory Services, Illumina
Classification: Benign for Joubert syndrome 7. Last evaluated: 2018-01-13. Review status: criteria provided, single submitter. Criteria: ICSL Variant Classification Criteria 13 December 2019. Collection method: clinical testing. Allele origin: germline.
Comment: This variant was observed in the ICSL laboratory as part of a predisposition screen in an ostensibly healthy population. It had not been previously curated by ICSL or reported in the Human Gene Mutation Database (HGMD: prior to June 1st, 2018), and was therefore a candidate for classification through an automated scoring system. Utilizing variant allele frequency, disease prevalence and penetrance estimates, and inheritance mode, an automated score was calculated to assess if this variant is too frequent to cause the disease. Based on the score and internal cut-off values, a variant classified as benign is not then subjected to further curation. The score for this variant resulted in a classification of benign for this disease.

Illumina Laboratory Services, Illumina
Classification: Benign for Meckel syndrome, type 5. Last evaluated: 2018-01-13. Review status: criteria provided, single submitter. Criteria: ICSL Variant Classification Criteria 13 December 2019. Collection method: clinical testing. Allele origin: germline.
Comment: the same text as in the submission from Illumina Laboratory Services, Illumina above.

Illumina Laboratory Services, Illumina
Classification: Benign for Nephronophthisis 8. Last evaluated: 2018-01-13. Review status: criteria provided, single submitter. Criteria: ICSL Variant Classification Criteria 13 December 2019. Collection method: clinical testing. Allele origin: germline.
Comment: the same text as in the submission from Illumina Laboratory Services, Illumina above.

Breakthrough Genomics
Classification: Benign. Review status: criteria provided, single submitter. Criteria: ACMG Guidelines, 2015. Collection method: not provided. Allele origin: germline. Inheritance: Autosomal recessive inheritance. Affected: yes.

Dr. Peter K. Rogan Lab, Western University
No classification provided (evidence only). Condition: Gastric cancer. Review status: no classification provided. Collection method: in vitro. Allele origin: not applicable. Functional consequence: retained intron. Not counted in ClinVar's aggregate classification.

NM_015272.5(RPGRIP1L):c.*1693G>A

Gene: RPGRIP1L (RPGRIP1 like; minus strand). Cytogenetic location: 16q12.2.
Variant type: single nucleotide variant.
Coding change: c.*1693G>A on transcript NM_015272.5 (MANE Select); 1693 bases downstream of the stop codon, G replaced by A.
Molecular consequence: 3 prime UTR variant.
Genome position (GRCh38, 1-based): chr16:53,600,383, C>T on the plus strand (G>A on the coding strand, the complement: RPGRIP1L is on the minus strand). VCF-style: chr16-53600383-C-T. GRCh37 (hg19) VCF-style: chr16-53634295-C-T.
Other names: NC_000016.9:g.53634295C>T; c.*1693G>A (NM_001127897.4, NM_001308334.3, NM_001330538.2).
Identifiers: ClinVar variation 319624 (VCV000319624.7), dbSNP rs1946155, ClinGen allele CA10648542.